The following is an entry in ClinVar:

NM_000038.6(APC):c.7981A>G (p.Ile2661Val)

Gene: APC (APC regulator of Wnt signaling pathway; plus strand). Cytogenetic location: 5q22.2.
Variant type: single nucleotide variant.
Coding change: c.7981A>G on transcript NM_000038.6 (MANE Select); coding-DNA position 7981, A replaced by G.
Protein change: p.Ile2661Val; replaces isoleucine 2661 with valine.
Molecular consequence: missense variant. On other transcripts: non-coding transcript variant (2).
Genome position (GRCh38, 1-based): chr5:112,843,575, A>G. VCF-style: chr5-112843575-A-G. GRCh37 (hg19) VCF-style: chr5-112179272-A-G.
Other names: c.7981A>G, p.Ile2661Val (NM_001127510.3, NM_001354895.2, NM_001407450.1); c.7927A>G, p.Ile2643Val (NM_001127511.3); c.8035A>G, p.Ile2679Val (NM_001354896.2, NM_001407447.1, NM_001407448.1 and 1 more transcripts); c.8011A>G, p.Ile2671Val (NM_001354897.2); c.7906A>G, p.Ile2636Val (NM_001354898.2); c.7897A>G, p.Ile2633Val (NM_001354899.2); c.7858A>G, p.Ile2620Val (NM_001354900.2); c.7804A>G, p.Ile2602Val (NM_001354901.2, NM_001407453.1); and 11 more; short protein forms I2501V, I2620V, I2651V, I2689V, I2277V, I2378V, I2535V, I2578V.
Identifiers: ClinVar variation 3005182 (VCV003005182.3), dbSNP rs2149997345, ClinGen allele CA16038663.
Genomic context (GRCh38, chr5:112,843,575, plus strand): 5'-AAGACTCTAATTTATCAAATGGCACCTGCTGTTTCTAAAACAGAGGATGTTTGGGTGAGA[A>G]TTGAGGACTGTCCCATTAACAATCCTAGATCTGGAAGATCTCCCACAGGTAATACTCCCC-3'
Protein context (NP_000029.2, residues 2651-2671): VSKTEDVWVR[Ile2661Val]EDCPINNPRS

ClinVar aggregate classification (germline): Uncertain significance (1 of 4 stars; one submission).

Conditions:
Familial adenomatous polyposis 1 (FAP1). Also called: FAMILIAL ADENOMATOUS POLYPOSIS 1, ATTENUATED; POLYPOSIS, ADENOMATOUS INTESTINAL. Identifiers: MedGen C2713442, MONDO:0021056, OMIM 175100. Disease mechanism: loss of function.

Submission:

Labcorp Genetics (formerly Invitae), Labcorp
Classification: Uncertain significance for Familial adenomatous polyposis 1. Last evaluated: 2023-01-22. Review status: criteria provided, single submitter. Criteria: Invitae Variant Classification Sherloc (09022015). Collection method: clinical testing. Allele origin: germline.
Comment: In summary, the available evidence is currently insufficient to determine the role of this variant in disease. Therefore, it has been classified as a Variant of Uncertain Significance. Advanced modeling of protein sequence and biophysical properties (such as structural, functional, and spatial information, amino acid conservation, physicochemical variation, residue mobility, and thermodynamic stability) performed at Invitae indicates that this missense variant is not expected to disrupt APC protein function. This variant has not been reported in the literature in individuals affected with APC-related conditions. This variant is not present in population databases (gnomAD no frequency). This sequence change replaces isoleucine, which is neutral and non-polar, with valine, which is neutral and non-polar, at codon 2661 of the APC protein (p.Ile2661Val).